The following is an entry in ClinVar:

ClinVar aggregate classification (germline): Uncertain significance (1 of 4 stars; one submission).

Conditions:
Myofibrillar myopathy 5. Also called: FILAMINOPATHY, AUTOSOMAL DOMINANT; Filaminopathy (type). Identifiers: Orphanet 171445, MedGen C1836050, MONDO:0012289, OMIM 609524.
Hypertrophic cardiomyopathy 26. Also called: Cardiomyopathy, familial hypertrophic, 26. Identifiers: Orphanet 75249, MedGen C4310749, MONDO:0014883, OMIM 617047.
Distal myopathy with posterior leg and anterior hand involvement. Also called: WILLIAMS DISTAL MYOPATHY. Identifiers: Orphanet 63273, MedGen C3279722, MONDO:0013550, OMIM 614065.

Allele frequency attached by ClinVar (database versions not stated): gnomAD exomes below 0.00001; gnomAD 0.00001; TOPMed 0.00001; ExAC 0.00002; ESP Exome Variant Server 0.00008.
gnomAD v4.1: 14 of 1,606,854 alleles (0.00087%); highest among the groups gnomAD compares: Non-Finnish European, 0.0012%; no homozygotes.

Submission:

Labcorp Genetics (formerly Invitae), Labcorp
Classification: Uncertain significance for Distal myopathy with posterior leg and anterior hand involvement; Myofibrillar myopathy 5; Hypertrophic cardiomyopathy 26. Last evaluated: 2025-11-08. Review status: criteria provided, single submitter. Criteria: Invitae Variant Classification Sherloc (09022015). Collection method: clinical testing. Allele origin: germline.
Comment: This sequence change falls in intron 13 of the FLNC gene. It does not directly change the encoded amino acid sequence of the FLNC protein. It affects a nucleotide within the consensus splice site. This variant is present in population databases (rs376348610, gnomAD 0.002%). This variant has not been reported in the literature in individuals affected with FLNC-related conditions. ClinVar contains an entry for this variant (Variation ID: 1434856). Variants that disrupt the consensus splice site are a relatively common cause of aberrant splicing (PMID: 17576681, 9536098). Algorithms developed to predict the effect of sequence changes on RNA splicing suggest that this variant is not likely to affect RNA splicing. In summary, the available evidence is currently insufficient to determine the role of this variant in disease. Therefore, it has been classified as a Variant of Uncertain Significance.

Literature cited by the submitters: PubMed 17576681; PubMed 9536098.

NM_001458.5(FLNC):c.2121+5G>A

Gene: FLNC (filamin C; plus strand). Cytogenetic location: 7q32.1.
Variant type: single nucleotide variant.
Coding change: c.2121+5G>A on transcript NM_001458.5 (MANE Select); 5 bases into the intron after coding-DNA position 2121, G replaced by A.
Molecular consequence: intron variant.
Genome position (GRCh38, 1-based): chr7:128,841,572, G>A. VCF-style: chr7-128841572-G-A. GRCh37 (hg19) VCF-style: chr7-128481626-G-A.
Other names: c.2121+5G>A (NM_001127487.2).
Identifiers: ClinVar variation 1434856 (VCV001434856.6), dbSNP rs376348610, ClinGen allele CA4474591.